The following is an entry in ClinVar:

ClinVar aggregate classification (germline): Uncertain significance (1 of 4 stars; one submission).

Allele frequency attached by ClinVar (database versions not stated): gnomAD exomes 0.00001.
gnomAD v4.1: 11 of 1,614,204 alleles (0.00068%); highest among the groups gnomAD compares: Non-Finnish European, 0.00093%; no homozygotes.

Submission:

GeneDx
Classification: Uncertain significance. Last evaluated: 2022-06-07. Review status: criteria provided, single submitter. Criteria: GeneDx Variant Classification Process June 2021. Collection method: clinical testing. Allele origin: germline. Affected: yes.
Comment: Not observed at significant frequency in large population cohorts (gnomAD); In silico analysis supports that this missense variant has a deleterious effect on protein structure/function; Has not been previously published as pathogenic or benign to our knowledge; This variant is associated with the following publications: (PMID: 23541342)

NM_015340.4(LARS2):c.1564A>G (p.Thr522Ala)

Genes: LARS2 (leucyl-tRNA synthetase 2, mitochondrial; plus strand), LARS2-AS1 (LARS2 antisense RNA 1; minus strand). Cytogenetic location: 3p21.31.
Variant type: single nucleotide variant.
Coding change: c.1564A>G on transcript NM_015340.4 (MANE Select); coding-DNA position 1564, A replaced by G.
Protein change: p.Thr522Ala; replaces threonine 522 with alanine.
Molecular consequence: missense variant.
Genome position (GRCh38, 1-based): chr3:45,496,315, A>G. VCF-style: chr3-45496315-A-G. GRCh37 (hg19) VCF-style: chr3-45537807-A-G.
Other names: c.1564A>G, p.Thr522Ala (NM_001368263.1); short protein forms T522A.
Identifiers: ClinVar variation 1803549 (VCV001803549.1), dbSNP rs1179182705, ClinGen allele CA352426732.